The following is an entry in ClinVar:

ClinVar aggregate classification (germline): Uncertain significance (1 of 4 stars; one submission).

Allele frequency attached by ClinVar (database versions not stated): TOPMed below 0.00001.

Submission:

GeneDx
Classification: Uncertain significance. Last evaluated: 2019-10-28. Review status: criteria provided, single submitter. Criteria: GeneDx Variant Classification Process June 2021. Collection method: clinical testing. Allele origin: germline. Affected: yes.
Comment: Not observed in large population cohorts (Lek et al., 2016); In silico analysis, which includes protein predictors and evolutionary conservation, supports that this variant does not alter protein structure/function; Has not been previously published as pathogenic or benign to our knowledge

NM_012082.4(ZFPM2):c.73G>A (p.Glu25Lys)

Gene: ZFPM2 (zinc finger protein, FOG family member 2; plus strand). Cytogenetic location: 8q23.1.
Variant type: single nucleotide variant.
Coding change: c.73G>A on transcript NM_012082.4 (MANE Select); coding-DNA position 73, G replaced by A.
Protein change: p.Glu25Lys; replaces glutamic acid 25 with lysine.
Molecular consequence: missense variant. On other transcripts: 5 prime UTR variant (1), intron variant (1).
Genome position (GRCh38, 1-based): chr8:105,419,176, G>A. VCF-style: chr8-105419176-G-A. GRCh37 (hg19) VCF-style: chr8-106431404-G-A.
Other names: c.-324G>A (NM_001362837.2); c.41-25104G>A (NM_001362836.2); short protein forms E25K.
Identifiers: ClinVar variation 1315740 (VCV001315740.2), dbSNP rs1811743429, ClinGen allele CA372025584.